The following is an entry in ClinVar:

ClinVar aggregate classification (germline): Uncertain significance (1 of 4 stars; one submission).

Conditions:
ANKRD1-related dilated cardiomyopathy. Identifiers: MedGen CN119551.

Submission:

Labcorp Genetics (formerly Invitae), Labcorp
Classification: Uncertain significance for ANKRD1-related dilated cardiomyopathy. Last evaluated: 2025-11-05. Review status: criteria provided, single submitter. Criteria: Invitae Variant Classification Sherloc (09022015). Collection method: clinical testing. Allele origin: germline.
Comment: This sequence change falls in intron 3 of the ANKRD1 gene. It does not directly change the encoded amino acid sequence of the ANKRD1 protein. It affects a nucleotide within the consensus splice site. This variant is not present in population databases (gnomAD no frequency). This variant has not been reported in the literature in individuals affected with ANKRD1-related conditions. Variants that disrupt the consensus splice site are a relatively common cause of aberrant splicing (PMID: 17576681, 9536098). Algorithms developed to predict the effect of sequence changes on RNA splicing suggest that this variant is not likely to affect RNA splicing. In summary, the available evidence is currently insufficient to determine the role of this variant in disease. Therefore, it has been classified as a Variant of Uncertain Significance.

Literature cited by the submitters: PubMed 17576681; PubMed 9536098.

NM_014391.3(ANKRD1):c.346-3T>A

Gene: ANKRD1 (ankyrin repeat domain 1; minus strand). Cytogenetic location: 10q23.31.
Variant type: single nucleotide variant.
Coding change: c.346-3T>A on transcript NM_014391.3 (MANE Select); 3 bases into the intron before coding-DNA position 346, T replaced by A.
Molecular consequence: intron variant.
Genome position (GRCh38, 1-based): chr10:90,918,975, A>T on the plus strand (T>A on the coding strand, the complement: ANKRD1 is on the minus strand). VCF-style: chr10-90918975-A-T. GRCh37 (hg19) VCF-style: chr10-92678732-A-T.
Identifiers: ClinVar variation 4730568 (VCV004730568.1).